The following is an entry in ClinVar:

NM_172364.5(CACNA2D4):c.59C>A (p.Ala20Glu)

Gene: CACNA2D4 (calcium voltage-gated channel auxiliary subunit alpha2delta 4; minus strand). Cytogenetic location: 12p13.33.
Variant type: single nucleotide variant.
Coding change: c.59C>A on transcript NM_172364.5 (MANE Select); coding-DNA position 59, C replaced by A.
Protein change: p.Ala20Glu; replaces alanine 20 with glutamic acid.
Molecular consequence: missense variant.
Genome position (GRCh38, 1-based): chr12:1,918,415, G>T on the plus strand (C>A on the coding strand, the complement: CACNA2D4 is on the minus strand). VCF-style: chr12-1918415-G-T. GRCh37 (hg19) VCF-style: chr12-2027581-G-T.
Other names: short protein forms A20E.
Identifiers: ClinVar variation 4733154 (VCV004733154.1).

ClinVar aggregate classification (germline): Uncertain significance (1 of 4 stars; one submission).

Submission:

Labcorp Genetics (formerly Invitae), Labcorp
Classification: Uncertain significance. Last evaluated: 2025-12-19. Review status: criteria provided, single submitter. Criteria: Invitae Variant Classification Sherloc (09022015). Collection method: clinical testing. Allele origin: germline.
Comment: This sequence change replaces alanine, which is neutral and non-polar, with glutamic acid, which is acidic and polar, at codon 20 of the CACNA2D4 protein (p.Ala20Glu). This variant is not present in population databases (gnomAD no frequency). This variant has not been reported in the literature in individuals affected with CACNA2D4-related conditions. An algorithm developed to predict the effect of missense changes on protein structure and function outputs the following: PolyPhen-2: "Benign". The glutamic acid amino acid residue is found in multiple mammalian species, which suggests that this missense change does not adversely affect protein function. Algorithms developed to predict the effect of sequence changes on RNA splicing suggest that this variant may create or strengthen a splice site. In summary, the available evidence is currently insufficient to determine the role of this variant in disease. Therefore, it has been classified as a Variant of Uncertain Significance.